The following is an entry in ClinVar:

NM_000702.4(ATP1A2):c.2942+7G>C

Gene: ATP1A2 (ATPase Na+/K+ transporting subunit alpha 2; plus strand). Cytogenetic location: 1q23.2.
Variant type: single nucleotide variant.
Coding change: c.2942+7G>C on transcript NM_000702.4 (MANE Select); 7 bases into the intron after coding-DNA position 2942, G replaced by C.
Molecular consequence: intron variant.
Genome position (GRCh38, 1-based): chr1:160,139,748, G>C. VCF-style: chr1-160139748-G-C. GRCh37 (hg19) VCF-style: chr1-160109538-G-C.
Identifiers: ClinVar variation 3234873 (VCV003234873.1), dbSNP rs1453969483, ClinGen allele CA2825000869.

ClinVar aggregate classification (germline): Uncertain significance (1 of 4 stars; one submission).

Conditions:
Developmental and epileptic encephalopathy 98. Identifiers: MedGen C5562017, MONDO:0030472, OMIM 619605.

Submission:

Neuberg Centre For Genomic Medicine, NCGM
Classification: Uncertain significance for Developmental and epileptic encephalopathy 98. Review status: criteria provided, single submitter. Criteria: ACMG Guidelines, 2015. Collection method: clinical testing. Allele origin: germline. Inheritance: Autosomal dominant inheritance. Affected: yes.
Comment: The splice region c.2942+7G>C variant has not been reported previously as a pathogenic variant nor as a benign variant, to our knowledge. The c.2942+7G>C variant is novel not in any individuals in gnomAD Exomes and 1000 Genomes. This variant has not been reported to the ClinVar database. For these reasons, this variant has been classified as Variant of Uncertain Significance VUS.